The following is an entry in ClinVar:

ClinVar aggregate classification (germline): Uncertain significance (1 of 4 stars; one submission).

Conditions:
Charcot-Marie-Tooth disease axonal type 2Z. Also called: CHARCOT-MARIE-TOOTH DISEASE, AXONAL, AUTOSOMAL DOMINANT, TYPE 2Z; CHARCOT-MARIE-TOOTH NEUROPATHY, TYPE 2Z. Identifiers: Orphanet 466768, MedGen C5569025, MONDO:0014736, OMIM 616688.

gnomAD v4.1: 1 of 1,614,062 alleles (0.000062%); highest among the groups gnomAD compares: African/African-American, 0.0013%; no homozygotes.

Submission:

Labcorp Genetics (formerly Invitae), Labcorp
Classification: Uncertain significance for Charcot-Marie-Tooth disease axonal type 2Z. Last evaluated: 2024-10-03. Review status: criteria provided, single submitter. Criteria: Invitae Variant Classification Sherloc (09022015). Collection method: clinical testing. Allele origin: germline.
Comment: This sequence change replaces proline, which is neutral and non-polar, with leucine, which is neutral and non-polar, at codon 688 of the MORC2 protein (p.Pro688Leu). This variant is not present in population databases (gnomAD no frequency). This variant has not been reported in the literature in individuals affected with MORC2-related conditions. Invitae Evidence Modeling of protein sequence and biophysical properties (such as structural, functional, and spatial information, amino acid conservation, physicochemical variation, residue mobility, and thermodynamic stability) indicates that this missense variant is not expected to disrupt MORC2 protein function with a negative predictive value of 95%. In summary, the available evidence is currently insufficient to determine the role of this variant in disease. Therefore, it has been classified as a Variant of Uncertain Significance.

NM_001303256.3(MORC2):c.2063C>T (p.Pro688Leu)

Gene: MORC2 (MORC family CW-type zinc finger 2; minus strand). Cytogenetic location: 22q12.2.
Variant type: single nucleotide variant.
Coding change: c.2063C>T on transcript NM_001303256.3 (MANE Select); coding-DNA position 2063, C replaced by T.
Protein change: p.Pro688Leu; replaces proline 688 with leucine.
Molecular consequence: missense variant.
Genome position (GRCh38, 1-based): chr22:30,934,911, G>A on the plus strand (C>T on the coding strand, the complement: MORC2 is on the minus strand). VCF-style: chr22-30934911-G-A. GRCh37 (hg19) VCF-style: chr22-31330898-G-A.
Other names: c.2063C>T, p.Pro688Leu (NM_001303257.2); c.1877C>T, p.Pro626Leu (NM_014941.3); short protein forms P626L, P688L.
Identifiers: ClinVar variation 3624303 (VCV003624303.2).
Genomic context (GRCh38, chr22:30,934,911, plus strand): 5'-TCCCGAGGGCTCTTGGAGTTGGGCAGTAAAGATGGTGACAGTTGCTGCACCAGAGGGGCA[G>A]GTCGGGATGCAGTCTTGACGAGAGTGTTGGCAGGCTTTCGGGGTGCCTCAGGTGGCTGGA-3'
Protein context (NP_001290185.1, residues 678-698): ANTLVKTASR[Pro688Leu]APLVQQLSPS